The following is an entry in ClinVar:

NM_001105244.2(PTPRM):c.2646G>A (p.Val882=)

Gene: PTPRM (protein tyrosine phosphatase receptor type M; plus strand). Cytogenetic location: 18p11.23.
Variant type: single nucleotide variant.
Coding change: c.2646G>A on transcript NM_001105244.2 (MANE Select); coding-DNA position 2646, G replaced by A.
Protein change: p.Val882=; no amino-acid change (valine 882 retained).
Molecular consequence: synonymous variant.
Genome position (GRCh38, 1-based): chr18:8,253,306, G>A. VCF-style: chr18-8253306-G-A. GRCh37 (hg19) VCF-style: chr18-8253304-G-A.
Other names: c.1968G>A, p.Val656= (NM_001378142.1); c.2007G>A, p.Val669= (NM_001378143.1, NM_001378146.1); c.2043G>A, p.Val681= (NM_001378144.1); c.2082G>A, p.Val694= (NM_001378145.1, NM_001378147.1); c.2607G>A, p.Val869= (NM_002845.4).
Identifiers: ClinVar variation 3042788 (VCV003042788.2), dbSNP rs78499397, ClinGen allele CA8884500.

ClinVar aggregate classification (germline): Benign (0 of 4 stars; one submission).

Conditions:
PTPRM-related disorder. Also called: PTPRM-related condition.

Allele frequency attached by ClinVar (database versions not stated): ExAC 0.00170; gnomAD 0.00449; 1000 Genomes Project 30x 0.00453; ESP Exome Variant Server 0.00454; 1000 Genomes Project 0.00479; TOPMed 0.00533.
gnomAD v4.1: 1,277 of 1,599,052 alleles (0.08%); highest among the groups gnomAD compares: African/African-American, 1.6%; 11 homozygotes.

Submission:

PreventionGenetics, part of Exact Sciences
Classification: Benign for PTPRM-related condition. Last evaluated: 2019-04-04. Review status: no assertion criteria provided. Collection method: clinical testing. Allele origin: germline.
Comment: This variant is classified as benign based on ACMG/AMP sequence variant interpretation guidelines (Richards et al. 2015 PMID: 25741868, with internal and published modifications).